The following is an entry in ClinVar:

ClinVar aggregate classification (germline): Likely pathogenic (1 of 4 stars; one submission).

Submission:

CeGaT Center for Human Genetics Tuebingen
Classification: Likely pathogenic. Last evaluated: 2023-06-01. Review status: criteria provided, single submitter. Criteria: CeGaT Center For Human Genetics Tuebingen Variant Classification Criteria Version 2. Collection method: clinical testing. Allele origin: germline. Affected: yes. Observed: 1 variant allele.
Comment: GJA3: PM1, PM2, PM5, PP2, PS4:Supporting

NM_021954.4(GJA3):c.176C>A (p.Pro59Gln)

Gene: GJA3 (gap junction protein alpha 3; minus strand). Cytogenetic location: 13q12.11.
Variant type: single nucleotide variant.
Coding change: c.176C>A on transcript NM_021954.4 (MANE Select); coding-DNA position 176, C replaced by A.
Protein change: p.Pro59Gln; replaces proline 59 with glutamine.
Molecular consequence: missense variant.
Genome position (GRCh38, 1-based): chr13:20,143,113, G>T on the plus strand (C>A on the coding strand, the complement: GJA3 is on the minus strand). VCF-style: chr13-20143113-G-T. GRCh37 (hg19) VCF-style: chr13-20717252-G-T.
Other names: short protein forms P59Q.
Identifiers: ClinVar variation 2570856 (VCV002570856.27), dbSNP rs864309691, ClinGen allele CA387465448.
Genomic context (GRCh38, chr13:20,143,113, plus strand): 5'-GCCCAGAAGCGGATGTGGGAGATGGGGAAGGCCCTGTCGTAGCAGACGTTCTCGCAGCCC[G>T]GCTGCTGGGTGTTGCAGGTGAAGTCTGACTGCTCATCGCCCCACACGTCCTCCGCCGCGG-3'
Protein context (NP_068773.2, residues 49-69): QSDFTCNTQQ[Pro59Gln]GCENVCYDRA